The following is an entry in ClinVar:

NM_201525.4(ADGRG1):c.1933+1G>T

Gene: ADGRG1 (adhesion G protein-coupled receptor G1; plus strand). Cytogenetic location: 16q21.
Variant type: single nucleotide variant.
Coding change: c.1933+1G>T on transcript NM_201525.4 (MANE Select); the canonical splice donor site of the intron after coding-DNA position 1933, G replaced by T.
Molecular consequence: splice donor variant.
Genome position (GRCh38, 1-based): chr16:57,661,966, G>T. VCF-style: chr16-57661966-G-T. GRCh37 (hg19) VCF-style: chr16-57695878-G-T.
Other names: c.1933+1G>T (NM_001370440.1, NM_001370436.1, NM_001370438.1 and 7 more transcripts); c.1951+1G>T (NM_001370428.1, NM_001370430.1, NM_001370431.1 and 5 more transcripts); c.1441+1G>T (NM_001290142.2); c.1408+1G>T (NM_001370451.1, NM_001370453.1, NM_001370454.1 and 1 more transcripts); c.1426+1G>T (NM_001290143.2); c.1948+1G>T (NM_001370434.1, NM_001370433.1, NM_001145773.3); c.1777+1G>T (NM_001370442.1); c.1930+1G>T (NM_001370441.1).
Identifiers: ClinVar variation 2983670 (VCV002983670.4), dbSNP rs1292463430, ClinGen allele CA396054389.
Genomic context (GRCh38, chr16:57,661,966, plus strand): 5'-CTTCTGGCACCTTCCAGCTTGTCGTCCTCTACCTTTTCAGCATCATCACCTCCTTCCAAG[G>T]TAAGGAGAAGACCCGTCCCTTGGCCCAGGCAGGGTGTCTACACATGGAGCAAGGGCAGGG-3'

ClinVar aggregate classification (germline): Pathogenic/Likely pathogenic. Review status: criteria provided, multiple submitters, no conflicts (2 of 4 stars). 2 submissions from 2 submitters: Pathogenic (1); Likely pathogenic (1). Last evaluated 2025-02-17.

Conditions:
Bilateral frontoparietal polymicrogyria. Also called: CEREBELLAR ATAXIA WITH NEURONAL MIGRATION DEFECT; CORTICAL DYSPLASIA, COMPLEX, WITH OTHER BRAIN MALFORMATIONS 14A (BILATERAL FRONTOPARIETAL). Identifiers: Orphanet 101070, MedGen C1847352, MONDO:0011738, OMIM 606854.

Allele frequency attached by ClinVar (database versions not stated): gnomAD exomes 0.00001.
gnomAD v4.1: 10 of 1,611,930 alleles (0.00062%); highest among the groups gnomAD compares: Middle Eastern, 0.017%; no homozygotes.

Submissions (2):

Natera, Inc.
Classification: Likely pathogenic for Bilateral frontoparietal polymicrogyria. Last evaluated: 2025-02-17. Review status: criteria provided, single submitter. Criteria: Natera Variant Classification Schema (03/2026). Collection method: clinical testing. Allele origin: germline.
Comment: The c.1951+1G>T variant in ADGRG1 is a canonical splice donor site variant predicted to affect pre-mRNA splicing, which may result in an abnormal transcript and altered protein product. This variant is expected to result in nonsense mediated decay, truncation, or a dysfunctional protein product. This variant is rare in the general population with a frequency below the threshold expected for the associated phenotype(s). Given the available evidence, this variant is classified as Likely Pathogenic.

Labcorp Genetics (formerly Invitae), Labcorp
Classification: Pathogenic. Last evaluated: 2024-11-05. Review status: criteria provided, single submitter. Criteria: Invitae Variant Classification Sherloc (09022015). Collection method: clinical testing. Allele origin: germline.
Comment: This sequence change affects a donor splice site in intron 14 of the ADGRG1 gene. While this variant is not anticipated to result in nonsense mediated decay, it likely alters RNA splicing and results in a disrupted protein product. This variant is not present in population databases (gnomAD no frequency). This variant has not been reported in the literature in individuals affected with ADGRG1-related conditions. ClinVar contains an entry for this variant (Variation ID: 2983670). Variants that disrupt the consensus splice site are a relatively common cause of aberrant splicing (PMID: 17576681, 9536098). Algorithms developed to predict the effect of sequence changes on RNA splicing suggest that this variant may disrupt the consensus splice site. This variant disrupts a region of the ADGRG1 protein in which other variant(s) (p.Trp657*) have been determined to be pathogenic (PMID: 28097321). This suggests that this is a clinically significant region of the protein, and that variants that disrupt it are likely to be disease-causing. For these reasons, this variant has been classified as Pathogenic.

Literature cited by the submitters: PubMed 17576681 (cited by Labcorp Genetics (formerly Invitae), Labcorp); PubMed 9536098 (cited by Labcorp Genetics (formerly Invitae), Labcorp); PubMed 28097321 (cited by Labcorp Genetics (formerly Invitae), Labcorp).